The following is an entry in ClinVar:

NM_001048174.2(MUTYH):c.-6-9_-6-8del

Gene: MUTYH (mutY DNA glycosylase; minus strand). Cytogenetic location: 1p34.1.
Variant type: Deletion.
Coding change: c.-6-9_-6-8del on transcript NM_001048174.2 (MANE Select); 9 bases into the intron before 6 bases upstream of the start codon through 8 bases into the intron before 6 bases upstream of the start codon, 2 bases deleted (TT; older notation c.-6-9_-6-8delTT).
Molecular consequence: intron variant.
Genome position (GRCh38, 1-based): chr1:45,334,519-45,334,520, AA deleted on the plus strand (TT on the coding strand, the reverse complement: MUTYH is on the minus strand); deleting any 2 consecutive bases within chr1:45,334,519-45,334,523 gives the same sequence; the c. name uses the placement nearest the transcript's 3' end. VCF-style (leftmost placement, unchanged base first): chr1-45334518-CAA-C. GRCh37 (hg19) VCF-style: chr1-45800190-CAA-C.
Other names: c.-213-9_-213-8del (NM_001350651.2); c.-218-9_-218-8del (NM_001293192.2, NM_001293196.2); c.-277-9_-277-8del (NM_001350650.2); c.-6-9_-6-8del (NM_001048171.2, NM_001048173.2, NM_001048172.2 and 2 more transcripts); c.37-9_37-8del (NM_001293190.2, NM_012222.3, NM_001128425.2).
Identifiers: ClinVar variation 1102434 (VCV001102434.10), dbSNP rs1557493461, ClinGen allele CA2473713740.

ClinVar aggregate classification (germline): Likely benign. Review status: criteria provided, multiple submitters, no conflicts (2 of 4 stars). 2 submissions from 2 submitters: Likely benign (2). Last evaluated 2023-08-15.

Conditions:
Familial adenomatous polyposis 2. Also called: FAP type 2; MUTYH Polyposis; COLORECTAL ADENOMATOUS POLYPOSIS, AUTOSOMAL RECESSIVE; ADENOMAS, MULTIPLE COLORECTAL, AUTOSOMAL RECESSIVE; MYH-associated polyposis; MUTYH-associated polyposis. Identifiers: Orphanet 220460, Orphanet 247798, MedGen C3272841, MONDO:0012041, OMIM 608456.

Submissions (2):

All of Us Research Program, National Institutes of Health
Classification: Likely benign for Familial adenomatous polyposis 2. Last evaluated: 2023-08-15. Review status: criteria provided, single submitter. Criteria: ACMG Guidelines, 2015. Collection method: clinical testing. Allele origin: germline. Inheritance: Autosomal recessive inheritance. Observed: 1 variant allele, 1 heterozygote.
Comment: This study involves interpretation of variants in research participants for the purpose of population health screening. Participant phenotype was not available at the time of variant classification. Additional details can be found in publication PMID: 35346344, PMCID: PMC8962531

Labcorp Genetics (formerly Invitae), Labcorp
Classification: Likely benign for Familial adenomatous polyposis 2. Last evaluated: 2019-03-25. Review status: criteria provided, single submitter. Criteria: Invitae Variant Classification Sherloc (09022015). Collection method: clinical testing. Allele origin: germline.